The following is an entry in ClinVar:

ClinVar aggregate classification (germline): Conflicting classifications of pathogenicity. Review status: criteria provided, conflicting classifications (1 of 4 stars). 3 submissions from 3 submitters: Uncertain significance (2); Likely benign (1). Last evaluated 2025-10-26.

Conditions:
Inborn genetic diseases. Identifiers: MedGen C0950123, MeSH D030342.

Allele frequency attached by ClinVar (database versions not stated): gnomAD 0.00002; ExAC 0.00003; gnomAD exomes 0.00003 and 0.00006; TOPMed 0.00003; ESP Exome Variant Server 0.00008; 1000 Genomes Project 30x 0.00016; 1000 Genomes Project 0.00020.
gnomAD v4.1: 86 of 1,614,066 alleles (0.0053%); highest among the groups gnomAD compares: Non-Finnish European, 0.0068%; no homozygotes.

Submissions (3):

Labcorp Genetics (formerly Invitae), Labcorp
Classification: Uncertain significance. Last evaluated: 2025-10-26. Review status: criteria provided, single submitter. Criteria: Invitae Variant Classification Sherloc (09022015). Collection method: clinical testing. Allele origin: germline.
Comment: This sequence change replaces histidine, which is basic and polar, with glutamine, which is neutral and polar, at codon 824 of the TOPORS protein (p.His824Gln). This variant is present in population databases (rs182154008, gnomAD 0.007%). This variant has not been reported in the literature in individuals affected with TOPORS-related conditions. ClinVar contains an entry for this variant (Variation ID: 956627). Experimental studies and prediction algorithms are not available or were not evaluated, and the functional significance of this variant is currently unknown. In summary, the available evidence is currently insufficient to determine the role of this variant in disease. Therefore, it has been classified as a Variant of Uncertain Significance.

Ambry Genetics
Classification: Uncertain significance for Inborn genetic diseases. Last evaluated: 2025-04-11. Review status: criteria provided, single submitter. Criteria: Ambry Variant Classification Scheme 2023. Collection method: clinical testing. Allele origin: germline.

Blueprint Genetics
Classification: Likely benign. Last evaluated: 2024-01-12. Review status: criteria provided, single submitter. Criteria: ACMG Guidelines, 2015. Collection method: clinical testing. Allele origin: germline.

NM_005802.5(TOPORS):c.2472T>A (p.His824Gln)

Gene: TOPORS (TOP1 binding arginine/serine rich protein, E3 ubiquitin ligase; minus strand). Cytogenetic location: 9p21.1.
Variant type: single nucleotide variant.
Coding change: c.2472T>A on transcript NM_005802.5 (MANE Select); coding-DNA position 2472, T replaced by A.
Protein change: p.His824Gln; replaces histidine 824 with glutamine.
Molecular consequence: missense variant.
Genome position (GRCh38, 1-based): chr9:32,542,053, A>T on the plus strand (T>A on the coding strand, the complement: TOPORS is on the minus strand). VCF-style: chr9-32542053-A-T. GRCh37 (hg19) VCF-style: chr9-32542051-A-T.
Other names: c.2277T>A, p.His759Gln (NM_001195622.2); short protein forms H759Q, H824Q.
Identifiers: ClinVar variation 956627 (VCV000956627.13), dbSNP rs182154008, ClinGen allele CA5020361.